The following is an entry in ClinVar:

ClinVar aggregate classification (germline): Uncertain significance (1 of 4 stars; one submission).

gnomAD v4.1: 11 of 1,613,776 alleles (0.00068%); highest among the groups gnomAD compares: Non-Finnish European, 0.00093%; no homozygotes.

Submission:

Labcorp Genetics (formerly Invitae), Labcorp
Classification: Uncertain significance. Last evaluated: 2025-09-10. Review status: criteria provided, single submitter. Criteria: Invitae Variant Classification Sherloc (09022015). Collection method: clinical testing. Allele origin: germline.
Comment: This sequence change affects codon 2581 of the KMT2B mRNA. It is a 'silent' change, meaning that it does not change the encoded amino acid sequence of the KMT2B protein. It affects a nucleotide within the consensus splice site. This variant is not present in population databases (gnomAD no frequency). This variant has not been reported in the literature in individuals affected with KMT2B-related conditions. Algorithms developed to predict the effect of sequence changes on RNA splicing suggest that this variant is not likely to affect RNA splicing. In summary, the available evidence is currently insufficient to determine the role of this variant in disease. Therefore, it has been classified as a Variant of Uncertain Significance.

NM_014727.3(KMT2B):c.7743A>G (p.Arg2581=)

Gene: KMT2B (lysine methyltransferase 2B; plus strand). Cytogenetic location: 19q13.12.
Variant type: single nucleotide variant.
Coding change: c.7743A>G on transcript NM_014727.3 (MANE Select); coding-DNA position 7743, A replaced by G.
Protein change: p.Arg2581=; no amino-acid change (arginine 2581 retained).
Molecular consequence: synonymous variant.
Genome position (GRCh38, 1-based): chr19:35,738,062, A>G. VCF-style: chr19-35738062-A-G. GRCh37 (hg19) VCF-style: chr19-36228963-A-G.
Identifiers: ClinVar variation 4808869 (VCV004808869.1).